The following is an entry in ClinVar:

ClinVar aggregate classification (germline): Likely benign. Review status: criteria provided, single submitter (1 of 4 stars). 2 submissions from 2 submitters: Likely benign (1). 1 of the submissions does not count toward it. Last evaluated 2024-03-01.

Conditions:
ASTN2-related disorder. Also called: ASTN2-related condition.

Allele frequency attached by ClinVar (database versions not stated): gnomAD 0.00004; TOPMed 0.00006.
gnomAD v4.1: 23 of 1,367,404 alleles (0.0017%); highest among the groups gnomAD compares: Admixed American, 0.0095%; no homozygotes.

Submissions (2):

CeGaT Center for Human Genetics Tuebingen
Classification: Likely benign. Last evaluated: 2024-03-01. Review status: criteria provided, single submitter. Criteria: CeGaT Center For Human Genetics Tuebingen Variant Classification Criteria Version 2. Collection method: clinical testing. Allele origin: germline. Affected: yes. Observed: 1 variant allele.
Comment: ASTN2: BP4

PreventionGenetics, part of Exact Sciences
Classification: Likely benign for ASTN2-related condition. Last evaluated: 2019-08-09. Review status: no assertion criteria provided. Collection method: clinical testing. Allele origin: germline. Not counted in ClinVar's aggregate classification.
Comment: This variant is classified as likely benign based on ACMG/AMP sequence variant interpretation guidelines (Richards et al. 2015 PMID: 25741868, with internal and published modifications).

NM_001365068.1(ASTN2):c.1123C>T (p.Arg375Cys)

Gene: ASTN2 (astrotactin 2; minus strand). Cytogenetic location: 9q33.1.
Variant type: single nucleotide variant.
Coding change: c.1123C>T on transcript NM_001365068.1 (MANE Select); coding-DNA position 1123, C replaced by T.
Protein change: p.Arg375Cys; replaces arginine 375 with cysteine.
Molecular consequence: missense variant. On other transcripts: intron variant (1).
Genome position (GRCh38, 1-based): chr9:117,141,371, G>A on the plus strand (C>T on the coding strand, the complement: ASTN2 is on the minus strand). VCF-style: chr9-117141371-G-A. GRCh37 (hg19) VCF-style: chr9-119903650-G-A.
Other names: c.1123C>T, p.Arg375Cys (NM_001365069.1); c.1016-45220C>T (NM_014010.5); short protein forms R375C.
Identifiers: ClinVar variation 3035665 (VCV003035665.20), dbSNP rs371054320, ClinGen allele CA199093648.